The following is an entry in ClinVar:

NM_001372.4(DNAH9):c.39G>C (p.Glu13Asp)

Gene: DNAH9 (dynein axonemal heavy chain 9; plus strand). Cytogenetic location: 17p12.
Variant type: single nucleotide variant.
Coding change: c.39G>C on transcript NM_001372.4 (MANE Select); coding-DNA position 39, G replaced by C.
Protein change: p.Glu13Asp; replaces glutamic acid 13 with aspartic acid.
Molecular consequence: missense variant.
Genome position (GRCh38, 1-based): chr17:11,598,537, G>C. VCF-style: chr17-11598537-G-C. GRCh37 (hg19) VCF-style: chr17-11501854-G-C.
Other names: c.39G>C (NM_001372.3); short protein forms E13D.
Identifiers: ClinVar variation 1464229 (VCV001464229.6), dbSNP rs186019513, ClinGen allele CA8394449.

ClinVar aggregate classification (germline): Uncertain significance. Review status: criteria provided, multiple submitters, no conflicts (2 of 4 stars). 4 submissions from 4 submitters: Uncertain significance (4). Last evaluated 2024-10-07.

Conditions:
Inborn genetic diseases. Identifiers: MedGen C0950123, MeSH D030342.
Ciliary dyskinesia, primary, 40. Also called: CILIARY DYSKINESIA, PRIMARY, 40, WITH OR WITHOUT SITUS INVERSUS. Identifiers: MedGen C4749028, MONDO:0032664, OMIM 618300.

Allele frequency attached by ClinVar (database versions not stated): TOPMed 0.00015; gnomAD 0.00021 and 0.00023; gnomAD exomes 0.00027; 1000 Genomes Project 30x 0.00031; 1000 Genomes Project 0.00040; ExAC 0.00637.
gnomAD v4.1: 402 of 1,406,996 alleles (0.029%); highest among the groups gnomAD compares: South Asian, 0.12%; 1 homozygote.

Submissions (4):

Blueprint Genetics
Classification: Uncertain significance. Last evaluated: 2024-10-07. Review status: criteria provided, single submitter. Criteria: ACMG Guidelines, 2015. Collection method: clinical testing. Allele origin: germline.

Ambry Genetics
Classification: Uncertain significance for Inborn genetic diseases. Last evaluated: 2022-11-19. Review status: criteria provided, single submitter. Criteria: Ambry Variant Classification Scheme 2023. Collection method: clinical testing. Allele origin: germline.

Labcorp Genetics (formerly Invitae), Labcorp
Classification: Uncertain significance. Last evaluated: 2022-10-12. Review status: criteria provided, single submitter. Criteria: Invitae Variant Classification Sherloc (09022015). Collection method: clinical testing. Allele origin: germline.
Comment: This sequence change replaces glutamic acid, which is acidic and polar, with aspartic acid, which is acidic and polar, at codon 13 of the DNAH9 protein (p.Glu13Asp). This variant is present in population databases (rs186019513, gnomAD 0.1%). This variant has not been reported in the literature in individuals affected with DNAH9-related conditions. ClinVar contains an entry for this variant (Variation ID: 1464229). Algorithms developed to predict the effect of missense changes on protein structure and function output the following: SIFT: "Tolerated"; PolyPhen-2: "Benign"; Align-GVGD: "Class C0". The aspartic acid amino acid residue is found in multiple mammalian species, which suggests that this missense change does not adversely affect protein function. In summary, the available evidence is currently insufficient to determine the role of this variant in disease. Therefore, it has been classified as a Variant of Uncertain Significance.

Fulgent Genetics
Classification: Uncertain significance for Ciliary dyskinesia, primary, 40. Last evaluated: 2021-10-11. Review status: criteria provided, single submitter. Criteria: ACMG Guidelines, 2015. Collection method: clinical testing. Allele origin: unknown.